The following is an entry in ClinVar:

ClinVar aggregate classification (germline): Uncertain significance. Review status: criteria provided, single submitter (1 of 4 stars). 2 submissions from 1 submitter: Uncertain significance (2). Last evaluated 2021-03-30.

Conditions:
Immunodeficiency 33 (IMD33). Also called: X-linked mendelian susceptibility to mycobacterial diseases due to IKBKG deficiency; Immunodeficiency without anhidrotic ectodermal dysplasia. Identifiers: Orphanet 319605, Orphanet 319612, MedGen C1970879, MONDO:0010386, OMIM 300636.
Anhidrotic ectodermal dysplasia-immunodeficiency-osteopetrosis-lymphedema syndrome. Identifiers: Orphanet 69088, MedGen C4303737, MONDO:0010295.
Ectodermal dysplasia and immunodeficiency 1 (EDAID1). Also called: ECTODERMAL DYSPLASIA AND IMMUNE DEFICIENCY 1; Hyper-IgM immunodeficiency, X-linked, with hypohidrotic ectodermal dysplasia; ECTODERMAL DYSPLASIA, ANHIDROTIC, WITH IMMUNE DEFICIENCY. Identifiers: Orphanet 238468, Orphanet 98813, MedGen C1846008, MONDO:0020740, OMIM 300291.
Incontinentia pigmenti syndrome (IP). Also called: INCONTINENTIA PIGMENTI, TYPE II; Incontinentia Pigmenti; BLOCH-SULZBERGER SYNDROME; INCONTINENTIA PIGMENTI, FAMILIAL MALE-LETHAL TYPE. Identifiers: Orphanet 464, MedGen C0021171, MONDO:0010631, OMIM 308300.
Autoinflammatory disease, X-linked. Also called: AUTOINFLAMMATORY DISEASE, SYSTEMIC, X-LINKED. Identifiers: Orphanet 699605, MedGen C5676885, MONDO:0800129, OMIM 301081.

Allele frequency attached by ClinVar (database versions not stated): gnomAD 0.00003; gnomAD exomes 0.00008 and 0.00002; ExAC 0.00001; TOPMed 0.00002.
gnomAD v4.1: 20 of 1,205,362 alleles (0.0017%); highest among the groups gnomAD compares: Admixed American, 0.042%; no homozygotes.

Submissions (2):

Center for Genomics, Ann and Robert H. Lurie Children's Hospital of Chicago
Classification: Uncertain significance for Incontinentia pigmenti syndrome; Ectodermal dysplasia and immunodeficiency 1; Immunodeficiency 33; Autoinflammatory disease, X-linked. Last evaluated: 2021-03-30. Review status: criteria provided, single submitter. Criteria: ACMG Guidelines, 2015. Collection method: clinical testing. Allele origin: germline.
Comment: IKBKG NM_001099856.2 exon 1 p.Gly43Arg (c.127G>A): This variant has not been reported in the literature but is present in 14/25632 Latino alleles including 2 hemizygotes in the Genome Aggregation Database. Evolutionary conservation and computational predictive tools for this variant are unclear. In summary, data on this variant is insufficient for disease classification. Therefore, the clinical significance of this variant is uncertain.

Center for Genomics, Ann and Robert H. Lurie Children's Hospital of Chicago
Classification: Uncertain significance for Ectodermal dysplasia and immunodeficiency 1; Immunodeficiency 33; Incontinentia pigmenti syndrome. Last evaluated: 2018-07-03. Review status: criteria provided, single submitter. Criteria: ACMG Guidelines, 2015. Collection method: clinical testing. Allele origin: germline.
Comment: the same text as in the submission from Center for Genomics, Ann and Robert H. Lurie Children's Hospital of Chicago above.

NM_001321396.3(IKBKG):c.-16+3G>A

Genes: G6PD (glucose-6-phosphate dehydrogenase; minus strand), IKBKG (inhibitor of nuclear factor kappa B kinase regulatory subunit gamma; plus strand), LOC108281126 (G6PD and IKBKG intron CAGE-defined low expression enhancer; plus strand). Cytogenetic location: Xq28.
Variant type: single nucleotide variant.
Coding change: c.-16+3G>A on transcript NM_001321396.3; 3 bases into the intron after 16 bases upstream of the start codon, G replaced by A.
Molecular consequence: intron variant. On other transcripts: missense variant (1).
Genome position (GRCh38, 1-based): chrX:154,542,390, G>A. VCF-style: chrX-154542390-G-A. GRCh37 (hg19) VCF-style: chrX-153770605-G-A.
Other names: c.127G>A, p.Gly43Arg (NM_001099856.6); c.210+3646C>T (NM_000402.4); c.120+3646C>T (NM_001042351.3, NM_001360016.2); c.-16+999G>A (NM_001377312.1, NM_001377313.1); short protein forms G43R.
Identifiers: ClinVar variation 625962 (VCV000625962.4), dbSNP rs782367664, ClinGen allele CA10566349.